The following is an entry in ClinVar:

NM_001277115.2(DNAH11):c.5854G>A (p.Val1952Met)

Gene: DNAH11 (dynein axonemal heavy chain 11; plus strand). Cytogenetic location: 7p15.3.
Variant type: single nucleotide variant.
Coding change: c.5854G>A on transcript NM_001277115.2 (MANE Select); coding-DNA position 5854, G replaced by A.
Protein change: p.Val1952Met; replaces valine 1952 with methionine.
Molecular consequence: missense variant.
Genome position (GRCh38, 1-based): chr7:21,687,457, G>A. VCF-style: chr7-21687457-G-A. GRCh37 (hg19) VCF-style: chr7-21727075-G-A.
Other names: short protein forms V1952M.
Identifiers: ClinVar variation 1019823 (VCV001019823.7), dbSNP rs1783427971, ClinGen allele CA366949700.

ClinVar aggregate classification (germline): Uncertain significance (1 of 4 stars; one submission).

Conditions:
Primary ciliary dyskinesia. Also called: Ciliary dyskinesia. Identifiers: Orphanet 244, MedGen C0008780, MONDO:0016575, HP:0012265.

gnomAD v4.1: 1 of 1,613,970 alleles (0.000062%); no homozygotes.

Submission:

Labcorp Genetics (formerly Invitae), Labcorp
Classification: Uncertain significance for Primary ciliary dyskinesia. Last evaluated: 2021-12-17. Review status: criteria provided, single submitter. Criteria: Invitae Variant Classification Sherloc (09022015). Collection method: clinical testing. Allele origin: germline.
Comment: In summary, the available evidence is currently insufficient to determine the role of this variant in disease. Therefore, it has been classified as a Variant of Uncertain Significance. Advanced modeling of protein sequence and biophysical properties (such as structural, functional, and spatial information, amino acid conservation, physicochemical variation, residue mobility, and thermodynamic stability) performed at Invitae indicates that this missense variant is not expected to disrupt DNAH11 protein function. ClinVar contains an entry for this variant (Variation ID: 1019823). This missense change has been observed in individual(s) with clinical features of primary ciliary dyskinesia (Invitae). This variant is not present in population databases (gnomAD no frequency). This sequence change replaces valine, which is neutral and non-polar, with methionine, which is neutral and non-polar, at codon 1952 of the DNAH11 protein (p.Val1952Met).